The following is an entry in ClinVar:

NM_017807.4(OSGEP):c.431A>G (p.His144Arg)

Gene: OSGEP (O-sialoglycoprotein endopeptidase; minus strand). Cytogenetic location: 14q11.2.
Variant type: single nucleotide variant.
Coding change: c.431A>G on transcript NM_017807.4 (MANE Select); coding-DNA position 431, A replaced by G.
Protein change: p.His144Arg; replaces histidine 144 with arginine.
Molecular consequence: missense variant.
Genome position (GRCh38, 1-based): chr14:20,449,247, T>C on the plus strand (A>G on the coding strand, the complement: OSGEP is on the minus strand). VCF-style: chr14-20449247-T-C. GRCh37 (hg19) VCF-style: chr14-20917406-T-C.
Other names: c.431A>G (NM_017807.3); short protein forms H144R.
Identifiers: ClinVar variation 1976064 (VCV001976064.6), dbSNP rs772012075, ClinGen allele CA7081219.
Genomic context (GRCh38, chr14:20,449,247, plus strand): 5'-AAACGATCCAGACAATTACCCACTGCAATATCGATGGTTTCCCCAAAGATACGGTAACGA[T>C]GTTCCGAGTATGCAATCACCTAAGGGTGATGAGGAAGTCCATGAAACCCCAAGTCTGTAA-3'
Protein context (NP_060277.1, residues 134-154): GNTQVIAYSE[His144Arg]RYRIFGETID

ClinVar aggregate classification (germline): Uncertain significance. Review status: criteria provided, multiple submitters, no conflicts (2 of 4 stars). 2 submissions from 2 submitters: Uncertain significance (2). Last evaluated 2025-03-26.

Conditions:
Inborn genetic diseases. Identifiers: MedGen C0950123, MeSH D030342.

Allele frequency attached by ClinVar (database versions not stated): TOPMed below 0.00001; gnomAD 0.00001; ExAC 0.00002.

Submissions (2):

Ambry Genetics
Classification: Uncertain significance for Inborn genetic diseases. Last evaluated: 2025-03-26. Review status: criteria provided, single submitter. Criteria: Ambry Variant Classification Scheme 2023. Collection method: clinical testing. Allele origin: germline.

Labcorp Genetics (formerly Invitae), Labcorp
Classification: Uncertain significance. Last evaluated: 2022-03-20. Review status: criteria provided, single submitter. Criteria: Invitae Variant Classification Sherloc (09022015). Collection method: clinical testing. Allele origin: germline.
Comment: In summary, the available evidence is currently insufficient to determine the role of this variant in disease. Therefore, it has been classified as a Variant of Uncertain Significance. Algorithms developed to predict the effect of missense changes on protein structure and function output the following: SIFT: "Tolerated"; PolyPhen-2: "Benign"; Align-GVGD: "Class C0". The arginine amino acid residue is found in multiple mammalian species, which suggests that this missense change does not adversely affect protein function. This variant has not been reported in the literature in individuals affected with OSGEP-related conditions. This variant is present in population databases (rs772012075, gnomAD 0.03%). This sequence change replaces histidine, which is basic and polar, with arginine, which is basic and polar, at codon 144 of the OSGEP protein (p.His144Arg).